The following is an entry in ClinVar:

NM_013254.4(TBK1):c.565G>A (p.Val189Met)

Gene: TBK1 (TANK binding kinase 1; plus strand). Cytogenetic location: 12q14.2.
Variant type: single nucleotide variant.
Coding change: c.565G>A on transcript NM_013254.4 (MANE Select); coding-DNA position 565, G replaced by A.
Protein change: p.Val189Met; replaces valine 189 with methionine.
Molecular consequence: missense variant.
Genome position (GRCh38, 1-based): chr12:64,474,254, G>A. VCF-style: chr12-64474254-G-A. GRCh37 (hg19) VCF-style: chr12-64868034-G-A.
Other names: short protein forms V189M.
Identifiers: ClinVar variation 1320434 (VCV001320434.2), dbSNP rs2136069806, ClinGen allele CA385597324.

ClinVar aggregate classification (germline): Uncertain significance (1 of 4 stars; one submission).

Submission:

GeneDx
Classification: Uncertain significance. Last evaluated: 2019-05-20. Review status: criteria provided, single submitter. Criteria: GeneDx Variant Classification Process June 2021. Collection method: clinical testing. Allele origin: germline. Affected: yes.
Comment: Not observed in large population cohorts (Lek et al., 2016); In silico analysis, which includes protein predictors and evolutionary conservation, supports a deleterious effect; Has not been previously published as pathogenic or benign to our knowledge